The following is an entry in ClinVar:

ClinVar aggregate classification (germline): Uncertain significance. Review status: criteria provided, multiple submitters, no conflicts (2 of 4 stars). 2 submissions from 2 submitters: Uncertain significance (2). Last evaluated 2025-07-10.

Conditions:
Melanoma and neural system tumor syndrome. Also called: MELANOMA-ASTROCYTOMA SYNDROME. Identifiers: Orphanet 252206, MedGen C1835042, MONDO:0007967, OMIM 155755.
Hereditary cancer-predisposing syndrome. Also called: Hereditary Cancer Syndrome; Hereditary neoplastic syndrome; Neoplastic Syndromes, Hereditary; Tumor predisposition. Identifiers: Orphanet 140162, MedGen C0027672, MeSH D009386, MONDO:0015356.

Submissions (2):

Ambry Genetics
Classification: Uncertain significance for Hereditary cancer-predisposing syndrome. Last evaluated: 2025-07-10. Review status: criteria provided, single submitter. Criteria: Ambry Variant Classification Scheme 2023. Collection method: clinical testing. Allele origin: germline.
Comment: The p.A143V variant (also known as c.428C>T), located in coding exon 2 of the CDKN2A gene, results from a C to T substitution at nucleotide position 428. The alanine at codon 143 is replaced by valine, an amino acid with similar properties. Of note, this variant is also known as c.471C>T in the p14(ARF) isoform. This amino acid position is not well conserved in available vertebrate species. In addition, this alteration is predicted to be tolerated by in silico analysis. Based on the available evidence, the clinical significance of this variant remains unclear.

Baylor Genetics
Classification: Uncertain significance for Melanoma and neural system tumor syndrome. Last evaluated: 2023-10-23. Review status: criteria provided, single submitter. Criteria: ACMG Guidelines, 2015. Collection method: clinical testing. Allele origin: unknown.

NM_000077.5(CDKN2A):c.428C>T (p.Ala143Val)

Gene: CDKN2A (cyclin dependent kinase inhibitor 2A; minus strand). Cytogenetic location: 9p21.3.
Variant type: single nucleotide variant.
Coding change: c.428C>T on transcript NM_000077.5; coding-DNA position 428, C replaced by T.
Protein change: p.Ala143Val; replaces alanine 143 with valine.
Molecular consequence: missense variant (on NM_000077.6). On other transcripts: 3 prime UTR variant (2).
Genome position (GRCh38, 1-based): chr9:21,970,931, G>A on the plus strand (C>T on the coding strand, the complement: CDKN2A is on the minus strand). VCF-style: chr9-21970931-G-A. GRCh37 (hg19) VCF-style: chr9-21970930-G-A.
Other names: c.428C>T, p.Ala143Val (NM_000077.6, NM_001195132.2); c.275C>T, p.Ala92Val (NM_001363763.2); c.*72C>T (NM_058195.4); c.*351C>T (NM_058197.5); short protein forms A92V, A143V.
Identifiers: ClinVar variation 1739412 (VCV001739412.4), dbSNP rs767149947, ClinGen allele CA373085858.
Genomic context (GRCh38, chr9:21,970,931, plus strand): 5'-GGGTACAAATTCTCAGATCATCAGTCCTCACCTGAGGGACCTTCCGCGGCATCTATGCGG[G>A]CATGGTTACTGCCTCTGGTGCCCCCCGCAGCCGCGCGCAGGTACCGTGCGACATCGCGAT-3'
Protein context (NP_000068.1, residues 133-153): AAGGTRGSNH[Ala143Val]RIDAAEGPSD